The following is an entry in ClinVar:

ClinVar aggregate classification (germline): Benign/Likely benign. Review status: criteria provided, multiple submitters, no conflicts (2 of 4 stars). 6 submissions from 6 submitters: Benign (5); Likely benign (1). Last evaluated 2026-01-27.

Conditions:
Erythrocytosis, familial, 4 (ECYT4). Identifiers: Orphanet 247511, MedGen C2673187, MONDO:0012729, OMIM 611783.

Allele frequency attached by ClinVar (database versions not stated): TOPMed 0.01914; gnomAD exomes 0.00458; 1000 Genomes Project 30x 0.02139; gnomAD 0.01718 and 0.01843; 1000 Genomes Project 0.02037; ExAC 0.00538; ESP Exome Variant Server 0.01915.
gnomAD v4.1: 5,053 of 1,614,180 alleles (0.31%); highest among the groups gnomAD compares: African/African-American, 5.8%; 135 homozygotes.

Submissions (6):

Labcorp Genetics (formerly Invitae), Labcorp
Classification: Benign. Last evaluated: 2026-01-27. Review status: criteria provided, single submitter. Criteria: Invitae Variant Classification Sherloc (09022015). Collection method: clinical testing. Allele origin: germline.

Mayo Clinic Laboratories, Mayo Clinic
Classification: Benign. Last evaluated: 2024-09-02. Review status: criteria provided, single submitter. Criteria: ACMG Guidelines, 2015. Collection method: clinical testing. Allele origin: germline. Observed: 2 variant alleles.

ARUP Laboratories, Molecular Genetics and Genomics, ARUP Laboratories
Classification: Likely benign for Erythrocytosis, familial, 4. Last evaluated: 2023-03-22. Review status: criteria provided, single submitter. Criteria: ARUP Molecular Germline Variant Investigation Process 2024. Collection method: clinical testing. Allele origin: germline.

GeneDx
Classification: Benign. Last evaluated: 2018-07-05. Review status: criteria provided, single submitter. Criteria: GeneDx Variant Classification Process June 2021. Collection method: clinical testing. Allele origin: germline. Affected: yes.

Illumina Laboratory Services, Illumina
Classification: Benign for Erythrocytosis, familial, 4. Last evaluated: 2018-01-13. Review status: criteria provided, single submitter. Criteria: ICSL Variant Classification Criteria 13 December 2019. Collection method: clinical testing. Allele origin: germline.
Comment: This variant was observed in the ICSL laboratory as part of a predisposition screen in an ostensibly healthy population. It had not been previously curated by ICSL or reported in the Human Gene Mutation Database (HGMD: prior to June 1st, 2018), and was therefore a candidate for classification through an automated scoring system. Utilizing variant allele frequency, disease prevalence and penetrance estimates, and inheritance mode, an automated score was calculated to assess if this variant is too frequent to cause the disease. Based on the score and internal cut-off values, a variant classified as benign is not then subjected to further curation. The score for this variant resulted in a classification of benign for this disease.

Breakthrough Genomics
Classification: Benign. Review status: criteria provided, single submitter. Criteria: ACMG Guidelines, 2015. Collection method: not provided. Allele origin: germline. Inheritance: Autosomal dominant inheritance. Affected: yes.

NM_001430.5(EPAS1):c.2511C>T (p.Pro837=)

Gene: EPAS1 (endothelial PAS domain protein 1; plus strand). Cytogenetic location: 2p21.
Variant type: single nucleotide variant.
Coding change: c.2511C>T on transcript NM_001430.5 (MANE Select); coding-DNA position 2511, C replaced by T.
Protein change: p.Pro837=; no amino-acid change (proline 837 retained).
Molecular consequence: synonymous variant.
Genome position (GRCh38, 1-based): chr2:46,384,558, C>T. VCF-style: chr2-46384558-C-T. GRCh37 (hg19) VCF-style: chr2-46611697-C-T.
Other names: p.Pro837=.
Identifiers: ClinVar variation 336282 (VCV000336282.17), dbSNP rs35795449, ClinGen allele CA1645387.